The following is an entry in ClinVar:

ClinVar aggregate classification (germline): Benign (1 of 4 stars; one submission).

Allele frequency attached by ClinVar (database versions not stated): 1000 Genomes Project 30x 0.01390; 1000 Genomes Project 0.01558; TOPMed 0.02232; gnomAD 0.03059 and 0.03158.
gnomAD v4.1: 4,663 of 152,038 alleles (3.1%); highest among the groups gnomAD compares: Non-Finnish European, 3.8%; 147 homozygotes.

Submission:

GeneDx
Classification: Benign. Last evaluated: 2018-06-14. Review status: criteria provided, single submitter. Criteria: GeneDx Variant Classification (06012015). Collection method: clinical testing. Allele origin: germline. Affected: yes.
Comment: This variant is considered likely benign or benign based on one or more of the following criteria: it is a conservative change, it occurs at a poorly conserved position in the protein, it is predicted to be benign by multiple in silico algorithms, and/or has population frequency not consistent with disease.

NM_001130438.3(SPTAN1):c.5044-276G>T

Gene: SPTAN1 (spectrin alpha, non-erythrocytic 1; plus strand). Cytogenetic location: 9q34.11.
Variant type: single nucleotide variant.
Coding change: c.5044-276G>T on transcript NM_001130438.3 (MANE Select); 276 bases into the intron before coding-DNA position 5044, G replaced by T.
Molecular consequence: intron variant.
Genome position (GRCh38, 1-based): chr9:128,613,105, G>T. VCF-style: chr9-128613105-G-T. GRCh37 (hg19) VCF-style: chr9-131375384-G-T.
Other names: c.5044-276G>T (NM_001363759.2); c.5029-276G>T (NM_003127.4); c.4984-276G>T (NM_001363765.2); c.4969-276G>T (NM_001195532.2).
Identifiers: ClinVar variation 680794 (VCV000680794.1), dbSNP rs117630545, ClinGen allele CA200400002.